The following is an entry in ClinVar:

NM_138395.4(MARS2):c.1173G>C (p.Val391=)

Gene: MARS2 (methionyl-tRNA synthetase 2, mitochondrial; plus strand). Cytogenetic location: 2q33.1.
Variant type: single nucleotide variant.
Coding change: c.1173G>C on transcript NM_138395.4 (MANE Select); coding-DNA position 1173, G replaced by C.
Protein change: p.Val391=; no amino-acid change (valine 391 retained).
Molecular consequence: synonymous variant.
Genome position (GRCh38, 1-based): chr2:197,706,578, G>C. VCF-style: chr2-197706578-G-C. GRCh37 (hg19) VCF-style: chr2-198571302-G-C.
Identifiers: ClinVar variation 748613 (VCV000748613.8), dbSNP rs117988876, ClinGen allele CA2044705.
Genomic context (GRCh38, chr2:197,706,578, plus strand): 5'-CTACTTTCTCCTTCGGCAGGGCGTCCCCAACTGGGACTGTGACTACTATGATGAAAAGGT[G>C]GTTAAGTTGCTGAACTCCGAGCTGGCAGATGCCTTGGGAGGTCTCTTGAACCGATGCACT-3'
Protein context (NP_612404.1, residues 381-401): NWDCDYYDEK[Val391=]VKLLNSELAD

ClinVar aggregate classification (germline): Benign/Likely benign. Review status: criteria provided, multiple submitters, no conflicts (2 of 4 stars). 3 submissions from 3 submitters: Benign (1); Likely benign (1). 1 of the submissions does not count toward it. Last evaluated 2025-05-11.

Conditions:
MARS2-related disorder. Also called: MARS2-related condition.

Allele frequency attached by ClinVar (database versions not stated): gnomAD 0.00003 and 0.00013; TOPMed 0.00004; gnomAD exomes 0.00014 and 0.00032; ExAC 0.00022; 1000 Genomes Project 30x 0.00078; 1000 Genomes Project 0.00100.

Submissions (3):

Labcorp Genetics (formerly Invitae), Labcorp
Classification: Benign. Last evaluated: 2025-05-11. Review status: criteria provided, single submitter. Criteria: Invitae Variant Classification Sherloc (09022015). Collection method: clinical testing. Allele origin: germline.

GeneDx
Classification: Likely benign. Last evaluated: 2020-06-08. Review status: criteria provided, single submitter. Criteria: GeneDx Variant Classification Process June 2021. Collection method: clinical testing. Allele origin: germline. Affected: yes.

PreventionGenetics, part of Exact Sciences
Classification: Likely benign for MARS2-related condition. Last evaluated: 2019-11-05. Review status: no assertion criteria provided. Collection method: clinical testing. Allele origin: germline. Not counted in ClinVar's aggregate classification.
Comment: This variant is classified as likely benign based on ACMG/AMP sequence variant interpretation guidelines (Richards et al. 2015 PMID: 25741868, with internal and published modifications).